The following is an entry in ClinVar:

ClinVar aggregate classification (germline): Pathogenic (1 of 4 stars; one submission).

Submission:

Quest Diagnostics Nichols Institute San Juan Capistrano
Classification: Pathogenic. Last evaluated: 2023-05-08. Review status: criteria provided, single submitter. Criteria: ACMG/ClinGen CNV Guidelines, 2019. Collection method: clinical testing. Allele origin: unknown.
Comment: The copy number loss of 16p13.3 involves multiple protein coding genes. Overlapping deletions of this region have been reported in patients with infantile severe polycystic kidney disease with tuberous sclerosis (PKDTS; OMIM 600273, Ariyurek 2004, Boehm 2007, Consugar 2008, Oyazato 2011, Kozlowski 2007, Reyna-Fabian 2020, Sampson 1997). Haploinsufficiency of TSC2 and PKD1 are associated with the autosomal dominant disorders tuberous sclerosis 2 (OMIM 613254) and polycystic kidney disease 1 (OMIM 173900), respectively. Thus, the classification of this copy number variant (CNV) is pathogenic. References: Ariyurek et al., Hum Mutat. 2004 Jan;23(1):99. PMID: 14695542 Boehm et al., Am J Kidney Dis. 2007 Jan;49(1):e11-21. PMID: 17185137 Consugar et al., Kidney Int. 2008 Dec;74(11):1468-79. PMID: 18818683 Kozlowski et al., Hum Genet. 2007 May;121(3-4):389-400. PMID: 17287951 Oyazato et al., Kobe J Med Sci. 2011 Jun 9;57(1):E1-10, PMID: 22169896 Reyna-Fabian et al., Nefrologia (Engl Ed). Jan-Feb 2020;40(1):91-98. PMID: 31176519 Sampson et al., Am J Hum Genet. 1997 Oct;61(4):843-51. PMID: 9382094

GRCh37/hg19 16p13.3(chr16:2106895-2143152)x1

Genes: MIR1225 (microRNA 1225; minus strand), PKD1 (polycystin 1, transient receptor potential channel interacting; minus strand), TSC2 (TSC complex subunit 2; plus strand). Cytogenetic location: 16p13.3.
Variant type: copy number loss.
Change: copy number 1 (one copy instead of two) of chr16:2,106,895-2,143,152 (36.3 kb, GRCh37 coordinates, 1-based), cytogenetic band 16p13.3.
Identifiers: ClinVar variation 2685539 (VCV002685539.1).